The following is an entry in ClinVar:

ClinVar aggregate classification (germline): Pathogenic (1 of 4 stars; one submission).

Conditions:
Xanthinuria type II. Also called: Xanthine dehydrogenase and aldehyde oxidase combined deficiency of; XDH and AOX dual deficiency. Identifiers: Orphanet 3467, Orphanet 93602, MedGen C1863688, MONDO:0011346, OMIM 603592.

Submission:

Labcorp Genetics (formerly Invitae), Labcorp
Classification: Pathogenic for Xanthinuria type II. Last evaluated: 2025-10-22. Review status: criteria provided, single submitter. Criteria: Invitae Variant Classification Sherloc (09022015). Collection method: clinical testing. Allele origin: germline.
Comment: This sequence change creates a premature translational stop signal (p.Ile402Leufs*34) in the MOCOS gene. It is expected to result in an absent or disrupted protein product. Loss-of-function variants in MOCOS are known to be pathogenic (PMID: 11302742, 17368066). This variant is present in population databases (rs750779426, gnomAD 0.009%). This variant has not been reported in the literature in individuals affected with MOCOS-related conditions. ClinVar contains an entry for this variant (Variation ID: 3716058). For these reasons, this variant has been classified as Pathogenic.

Literature cited by the submitters: PubMed 11302742; PubMed 17368066.

NM_017947.4(MOCOS):c.1203del (p.Ile402fs)

Gene: MOCOS (molybdenum cofactor sulfurase; plus strand). Cytogenetic location: 18q12.2.
Variant type: Deletion.
Coding change: c.1203del on transcript NM_017947.4 (MANE Select); coding-DNA position 1203, one base deleted (C; older notation c.1203delC).
Protein change: p.Ile402fs; shifts the reading frame from isoleucine 402.
Molecular consequence: frameshift variant.
Genome position (GRCh38, 1-based): chr18:36,205,261, C deleted. VCF-style (leftmost placement, unchanged base first): chr18-36205260-TC-T. GRCh37 (hg19) VCF-style: chr18-33785223-TC-T.
Other names: short protein forms I402fs.
Identifiers: ClinVar variation 3716058 (VCV003716058.2).